The following is an entry in ClinVar:

ClinVar aggregate classification (germline): Uncertain significance. Review status: criteria provided, multiple submitters, no conflicts (2 of 4 stars). 2 submissions from 2 submitters: Uncertain significance (2). Last evaluated 2025-06-05.

Allele frequency attached by ClinVar (database versions not stated): gnomAD 0.00001; TOPMed 0.00001; ESP Exome Variant Server 0.00008; gnomAD exomes 0.00001 and 0.00003; ExAC 0.00002.
gnomAD v4.1: 46 of 1,614,092 alleles (0.0028%); highest among the groups gnomAD compares: Non-Finnish European, 0.0037%; no homozygotes.

Submissions (2):

Mayo Clinic Laboratories, Mayo Clinic
Classification: Uncertain significance. Last evaluated: 2025-06-05. Review status: criteria provided, single submitter. Criteria: ACMG Guidelines, 2015. Collection method: clinical testing. Allele origin: germline. Observed: 1 variant allele.
Comment: BP4_moderate

GeneDx
Classification: Uncertain significance. Last evaluated: 2021-02-16. Review status: criteria provided, single submitter. Criteria: GeneDx Variant Classification Process June 2021. Collection method: clinical testing. Allele origin: germline. Affected: yes.
Comment: Not observed at a significant frequency in large population cohorts (Lek et al., 2016); In silico analysis supports that this missense variant has a deleterious effect on protein structure/function; Has not been previously published as pathogenic or benign to our knowledge

NM_015378.4(VPS13D):c.6973T>G (p.Phe2325Val)

Gene: VPS13D (vacuolar protein sorting 13 homolog D; plus strand). Cytogenetic location: 1p36.22.
Variant type: single nucleotide variant.
Coding change: c.6973T>G on transcript NM_015378.4 (MANE Select); coding-DNA position 6973, T replaced by G.
Protein change: p.Phe2325Val; replaces phenylalanine 2325 with valine.
Molecular consequence: missense variant.
Genome position (GRCh38, 1-based): chr1:12,314,152, T>G. VCF-style: chr1-12314152-T-G. GRCh37 (hg19) VCF-style: chr1-12374209-T-G.
Other names: p.Phe2325Val; c.6973T>G, p.Phe2325Val (NM_018156.4); short protein forms F2325V.
Identifiers: ClinVar variation 1189223 (VCV001189223.3), dbSNP rs150486838, ClinGen allele CA602736.
Genomic context (GRCh38, chr1:12,314,152, plus strand): 5'-TTGCTTTCTTTTCTCTCTTTTAGATTTGACTTCAAGAAATGCAAACTGCTCTATGAAAGT[T>G]TTTCCAACCAAACCAAGTCCATTAACTTGGTTTCCCATTCCATGATGGCTTTTGACACCC-3'
Protein context (NP_056193.2, residues 2315-2335): FKKCKLLYES[Phe2325Val]SNQTKSINLV